The following is an entry in ClinVar:

ClinVar aggregate classification (germline): Uncertain significance. Review status: criteria provided, multiple submitters, no conflicts (2 of 4 stars). 3 submissions from 3 submitters: Uncertain significance (2). 1 of the submissions does not count toward it. Last evaluated 2024-05-18.

Conditions:
FREM2-related disorder. Also called: FREM2-related condition.
Fraser syndrome 2 (FRASRS2). Identifiers: MedGen C4540036, MONDO:0054738, OMIM 617666.
Isolated cryptophthalmia. Also called: Cryptophthalmos, unilateral or bilateral, isolated; ANKYLOBLEPHARON, SIMPLE. Identifiers: Orphanet 91396, MedGen C1852453, MONDO:0007410, OMIM 123570.

gnomAD v4.1: 3 of 1,614,022 alleles (0.00019%); highest among the groups gnomAD compares: Non-Finnish European, 0.00025%; no homozygotes.

Submissions (3):

Fulgent Genetics
Classification: Uncertain significance for Isolated cryptophthalmia; Fraser syndrome 2. Last evaluated: 2024-05-18. Review status: criteria provided, single submitter. Criteria: ACMG Guidelines, 2015. Collection method: clinical testing. Allele origin: germline.

Illumina Laboratory Services, Illumina
Classification: Uncertain significance for Fraser syndrome 2. Last evaluated: 2018-01-13. Review status: criteria provided, single submitter. Criteria: ICSL Variant Classification Criteria 13 December 2019. Collection method: clinical testing. Allele origin: germline.

PreventionGenetics, part of Exact Sciences
Classification: Uncertain significance for FREM2-related condition. Last evaluated: 2024-02-06. Review status: no assertion criteria provided. Collection method: clinical testing. Allele origin: germline. Not counted in ClinVar's aggregate classification.
Comment: The FREM2 c.7301G>T variant is predicted to result in the amino acid substitution p.Arg2434Leu. To our knowledge, this variant has not been reported in the literature. This variant is reported in 0.0018% of alleles in individuals of European (Non-Finnish) descent in gnomAD. At this time, the clinical significance of this variant is uncertain due to the absence of conclusive functional and genetic evidence.

NM_207361.6(FREM2):c.7301G>T (p.Arg2434Leu)

Gene: FREM2 (FRAS1 related extracellular matrix 2; plus strand). Cytogenetic location: 13q13.3.
Variant type: single nucleotide variant.
Coding change: c.7301G>T on transcript NM_207361.6 (MANE Select); coding-DNA position 7301, G replaced by T.
Protein change: p.Arg2434Leu; replaces arginine 2434 with leucine.
Molecular consequence: missense variant.
Genome position (GRCh38, 1-based): chr13:38,859,372, G>T. VCF-style: chr13-38859372-G-T. GRCh37 (hg19) VCF-style: chr13-39433509-G-T.
Other names: c.7301G>T (NM_207361.5); short protein forms R2434L.
Identifiers: ClinVar variation 881617 (VCV000881617.7), dbSNP rs775757680, ClinGen allele CA6955825.
Genomic context (GRCh38, chr13:38,859,372, plus strand): 5'-ACGATAAAACAGGCTCTATCTGTGCAAGTGAGAACATCAATGACACTTTGACGCGGTACC[G>T]GTGGCTGATTAGTGCACCTGCGGGCCCTGACGGTGTGACCAGCCCTATGAGAGAAGTGGA-3'
Protein context (NP_997244.4, residues 2424-2444): ENINDTLTRY[Arg2434Leu]WLISAPAGPD